The following is an entry in ClinVar:

ClinVar aggregate classification (germline): Uncertain significance (1 of 4 stars; one submission).

Conditions:
Cardiovascular phenotype. Identifiers: MedGen CN230736.

Submission:

Ambry Genetics
Classification: Uncertain significance for Cardiovascular phenotype. Last evaluated: 2025-01-13. Review status: criteria provided, single submitter. Criteria: Ambry Variant Classification Scheme 2023. Collection method: clinical testing. Allele origin: germline.
Comment: The p.L223V variant (also known as c.667C>G), located in coding exon 6 of the SPRED1 gene, results from a C to G substitution at nucleotide position 667. The leucine at codon 223 is replaced by valine, an amino acid with highly similar properties. This amino acid position is conserved. In addition, this alteration is predicted to be tolerated by in silico analysis. Based on the available evidence, the clinical significance of this variant remains unclear.

NM_152594.3(SPRED1):c.667C>G (p.Leu223Val)

Gene: SPRED1 (sprouty related EVH1 domain containing 1; plus strand). Cytogenetic location: 15q14.
Variant type: single nucleotide variant.
Coding change: c.667C>G on transcript NM_152594.3 (MANE Select); coding-DNA position 667, C replaced by G.
Protein change: p.Leu223Val; replaces leucine 223 with valine.
Molecular consequence: missense variant.
Genome position (GRCh38, 1-based): chr15:38,349,506, C>G. VCF-style: chr15-38349506-C-G. GRCh37 (hg19) VCF-style: chr15-38641707-C-G.
Other names: short protein forms L223V.
Identifiers: ClinVar variation 3800901 (VCV003800901.1).
Genomic context (GRCh38, chr15:38,349,506, plus strand): 5'-GACATTCAGAGCAGAAGTATGGAATACGTACAGCGGCAAATATCCAAGGAATGTGGAAGC[C>G]TAAAGTCCCAAAATAGGGTAAGTAATGTTAGTTTATCTTGTGATATGGAATTTAACTAAT-3'
Protein context (NP_689807.1, residues 213-233): QRQISKECGS[Leu223Val]KSQNRVPLKS